The following is an entry in ClinVar:

ClinVar aggregate classification (germline): Pathogenic (1 of 4 stars; one submission).

Submission:

Baylor Genetics
Classification: Pathogenic. Last evaluated: 2018-11-01. Review status: criteria provided, single submitter. Criteria: ACMG CNV Guidelines, 2011. Collection method: clinical testing. Allele origin: germline. Observed: 2 variant alleles.
Comment: Deletions involving this region have been previously reported in patients with intellectual disability and seizures (PMID: 18278044, 20236110)

GRCh37/hg19 15q13.2-13.3(chr15:30927362-32404084)

Genes: KLF13 (KLF transcription factor 13; plus strand), ARHGAP11B (Rho GTPase activating protein 11B), CHRNA7 (cholinergic receptor nicotinic alpha 7 subunit), FAN1 (FANCD2 and FANCI associated nuclease 1; plus strand), MIR211 (microRNA 211; minus strand) and 3 more. Cytogenetic location: 15q13.2-13.3.
Variant type: copy number loss.
Identifiers: ClinVar variation 625834 (VCV000625834.1).